The following is an entry in ClinVar:

ClinVar aggregate classification (germline): Uncertain significance (1 of 4 stars; one submission).

Conditions:
Ehlers-Danlos syndrome, classic type, 1 (EDSCL1). Also called: EDS I; Ehlers-Danlos syndrome, type 1; EHLERS-DANLOS SYNDROME, GRAVIS TYPE; EHLERS-DANLOS SYNDROME, SEVERE CLASSIC TYPE; Ehlers-Danlos Syndrome, Classic Type, COL5A1-Related. Identifiers: MedGen C0268335, MONDO:0019567, OMIM 130000.

Allele frequency attached by ClinVar (database versions not stated): TOPMed 0.00001.

Submission:

MGZ Medical Genetics Center
Classification: Uncertain significance for Ehlers-Danlos syndrome, classic type, 1. Last evaluated: 2022-08-23. Review status: criteria provided, single submitter. Criteria: ACMG Guidelines, 2015. Collection method: clinical testing. Allele origin: germline. Affected: yes. Observed: 2 variant alleles.
Comment: ACMG criteria applied: PM2_SUP, PP3

NM_000093.5(COL5A1):c.5305T>C (p.Ser1769Pro)

Genes: COL5A1 (collagen type V alpha 1 chain; plus strand), LOC101448202 (uncharacterized LOC101448202; minus strand). Cytogenetic location: 9q34.3.
Variant type: single nucleotide variant.
Coding change: c.5305T>C on transcript NM_000093.5 (MANE Select); coding-DNA position 5305, T replaced by C.
Protein change: p.Ser1769Pro; replaces serine 1769 with proline.
Molecular consequence: missense variant.
Genome position (GRCh38, 1-based): chr9:134,835,139, T>C. VCF-style: chr9-134835139-T-C. GRCh37 (hg19) VCF-style: chr9-137726985-T-C.
Other names: c.5305T>C, p.Ser1769Pro (NM_001278074.1); short protein forms S1769P.
Identifiers: ClinVar variation 1709750 (VCV001709750.2), dbSNP rs1311935924, ClinGen allele CA375460795.